The following is an entry in ClinVar:

ClinVar aggregate classification (germline): Uncertain significance (1 of 4 stars; one submission).

Conditions:
Duchenne muscular dystrophy (DMD). Also called: MUSCULAR DYSTROPHY, PSEUDOHYPERTROPHIC PROGRESSIVE, DUCHENNE TYPE; Duchenne Muscular Dystrophy (DMD). Identifiers: Orphanet 98896, MedGen C0013264, MONDO:0010679, OMIM 310200.

Submission:

Labcorp Genetics (formerly Invitae), Labcorp
Classification: Uncertain significance for Duchenne muscular dystrophy. Last evaluated: 2022-07-13. Review status: criteria provided, single submitter. Criteria: Invitae Variant Classification Sherloc (09022015). Collection method: clinical testing. Allele origin: germline.
Comment: In summary, the available evidence is currently insufficient to determine the role of this variant in disease. Therefore, it has been classified as a Variant of Uncertain Significance. Algorithms developed to predict the effect of missense changes on protein structure and function are either unavailable or do not agree on the potential impact of this missense change (SIFT: "Deleterious"; PolyPhen-2: "Possibly Damaging"; Align-GVGD: "Class C0"). This variant has not been reported in the literature in individuals affected with DMD-related conditions. This variant is not present in population databases (gnomAD no frequency). This sequence change replaces isoleucine, which is neutral and non-polar, with methionine, which is neutral and non-polar, at codon 3465 of the DMD protein (p.Ile3465Met).

NM_004006.3(DMD):c.10395A>G (p.Ile3465Met)

Gene: DMD (dystrophin; minus strand). Cytogenetic location: Xp21.2.
Variant type: single nucleotide variant.
Coding change: c.10395A>G on transcript NM_004006.3 (MANE Select); coding-DNA position 10395, A replaced by G.
Protein change: p.Ile3465Met; replaces isoleucine 3465 with methionine.
Molecular consequence: missense variant. On other transcripts: intron variant (2).
Genome position (GRCh38, 1-based): chrX:31,169,601, T>C on the plus strand (A>G on the coding strand, the complement: DMD is on the minus strand). VCF-style: chrX-31169601-T-C. GRCh37 (hg19) VCF-style: chrX-31187718-T-C.
Other names: c.10371A>G, p.Ile3457Met (NM_000109.4); c.10383A>G, p.Ile3461Met (NM_004009.3); c.10026A>G, p.Ile3342Met (NM_004010.3); c.6372A>G, p.Ile2124Met (NM_004011.4); c.6363A>G, p.Ile2121Met (NM_004012.4); c.3015A>G, p.Ile1005Met (NM_004013.3, NM_004021.3); c.2208A>G, p.Ile736Met (NM_004014.3); c.1191A>G, p.Ile397Met (NM_004015.3, NM_004016.3); and 3 more; short protein forms I2124M, I3342M, I736M, I992M, I384M, I1005M, I2121M, I3457M.
Identifiers: ClinVar variation 2006822 (VCV002006822.4), dbSNP rs2519780731, ClinGen allele CA412652084.
Genomic context (GRCh38, chrX:31,169,601, plus strand): 5'-CAGGGGGGAGTCCTGGTTCAAACTTTGGCAGTAATGCTGGATTAACAAATGTTCATCATC[T>C]CTGGAAAATAAAATCAAAGGTTTTGGTTTTTTCCCCCCCTTATTTTGCTTTGGGGGTTAG-3'
Protein context (NP_003997.2, residues 3455-3475): LNDSISPNES[Ile3465Met]DDEHLLIQHY